The following is an entry in ClinVar:

ClinVar aggregate classification (germline): Uncertain significance (1 of 4 stars; one submission).

Conditions:
Epileptic encephalopathy. Identifiers: MedGen C0543888, HP:0200134.

Submission:

Labcorp Genetics (formerly Invitae), Labcorp
Classification: Uncertain significance for Epileptic encephalopathy. Last evaluated: 2018-08-02. Review status: criteria provided, single submitter. Criteria: Invitae Variant Classification Sherloc (09022015). Collection method: clinical testing. Allele origin: germline.
Comment: This sequence change replaces lysine with glutamine at codon 1465 of the RYR3 protein (p.Lys1465Gln). The lysine residue is highly conserved and there is a small physicochemical difference between lysine and glutamine. This variant is not present in population databases (ExAC no frequency). This variant has not been reported in the literature in individuals with RYR3-related disease. Algorithms developed to predict the effect of missense changes on protein structure and function are either unavailable or do not agree on the potential impact of this missense change (SIFT: "Tolerated"; PolyPhen-2: "Probably Damaging"; Align-GVGD: "Class C0"). In summary, the available evidence is currently insufficient to determine the role of this variant in disease. Therefore, it has been classified as a Variant of Uncertain Significance.

NM_001036.6(RYR3):c.4393A>C (p.Lys1465Gln)

Gene: RYR3 (ryanodine receptor 3; plus strand). Cytogenetic location: 15q14.
Variant type: single nucleotide variant.
Coding change: c.4393A>C on transcript NM_001036.6 (MANE Select); coding-DNA position 4393, A replaced by C.
Protein change: p.Lys1465Gln; replaces lysine 1465 with glutamine.
Molecular consequence: missense variant.
Genome position (GRCh38, 1-based): chr15:33,659,804, A>C. VCF-style: chr15-33659804-A-C. GRCh37 (hg19) VCF-style: chr15-33952005-A-C.
Other names: c.4393A>C, p.Lys1465Gln (NM_001243996.4); short protein forms K1465Q.
Identifiers: ClinVar variation 665592 (VCV000665592.1), dbSNP rs1596018951, ClinGen allele CA391566159.
Genomic context (GRCh38, chr15:33,659,804, plus strand): 5'-CCAGCAGTCTTCCTGCAGCCTACAAGTACTTCTTTGTTTCAGTTTGAACTTGGAAAGCTG[A>C]AGGTATTTATTTGTCCTCTCATCTAATGGCCATGACAAGAGAAAGCAGCACTAACCATTA-3'
Protein context (NP_001027.3, residues 1455-1475): SLFQFELGKL[Lys1465Gln]NAMPLSAAIF